The following is an entry in ClinVar:

ClinVar aggregate classification (germline): Likely benign (0 of 4 stars; one submission).

Conditions:
NEO1-related disorder. Also called: NEO1-related condition.

Allele frequency attached by ClinVar (database versions not stated): gnomAD exomes 0.00019; ExAC 0.00059; 1000 Genomes Project 0.00180; ESP Exome Variant Server 0.00185; gnomAD 0.00211; 1000 Genomes Project 30x 0.00219; TOPMed 0.00265.
gnomAD v4.1: 607 of 1,614,014 alleles (0.038%); highest among the groups gnomAD compares: African/African-American, 0.75%; 3 homozygotes.

Submission:

PreventionGenetics, part of Exact Sciences
Classification: Likely benign for NEO1-related condition. Last evaluated: 2019-11-07. Review status: no assertion criteria provided. Collection method: clinical testing. Allele origin: germline.
Comment: This variant is classified as likely benign based on ACMG/AMP sequence variant interpretation guidelines (Richards et al. 2015 PMID: 25741868, with internal and published modifications).

NM_002499.4(NEO1):c.264A>G (p.Lys88=)

Gene: NEO1 (neogenin 1; plus strand). Cytogenetic location: 15q24.1.
Variant type: single nucleotide variant.
Coding change: c.264A>G on transcript NM_002499.4 (MANE Select); coding-DNA position 264, A replaced by G.
Protein change: p.Lys88=; no amino-acid change (lysine 88 retained).
Molecular consequence: synonymous variant.
Genome position (GRCh38, 1-based): chr15:73,116,673, A>G. VCF-style: chr15-73116673-A-G. GRCh37 (hg19) VCF-style: chr15-73409014-A-G.
Other names: c.264A>G, p.Lys88= (NM_001172623.2, NM_001172624.2, NM_001419531.1).
Identifiers: ClinVar variation 3045473 (VCV003045473.2), dbSNP rs139882931, ClinGen allele CA7647580.